The following is an entry in ClinVar:

ClinVar aggregate classification (germline): Pathogenic/Likely pathogenic. Review status: criteria provided, multiple submitters, no conflicts (2 of 4 stars). 2 submissions from 2 submitters: Pathogenic (1); Likely pathogenic (1). Last evaluated 2023-11-18.

Conditions:
WFS1-related disorder. Identifiers: MedGen CN379391, MONDO:0700293.

Allele frequency attached by ClinVar (database versions not stated): ExAC 0.00001; gnomAD exomes 0.00001.

Submissions (2):

Labcorp Genetics (formerly Invitae), Labcorp
Classification: Pathogenic. Last evaluated: 2023-11-18. Review status: criteria provided, single submitter. Criteria: Invitae Variant Classification Sherloc (09022015). Collection method: clinical testing. Allele origin: germline.
Comment: This sequence change creates a premature translational stop signal (p.Ala852Trpfs*11) in the WFS1 gene. While this is not anticipated to result in nonsense mediated decay, it is expected to disrupt the last 39 amino acid(s) of the WFS1 protein. This variant is present in population databases (rs763294076, gnomAD 0.0009%). This variant has not been reported in the literature in individuals affected with WFS1-related conditions. This variant disrupts a region of the WFS1 protein in which other variant(s) (p.Pro885Leu) have been determined to be pathogenic (PMID: 10521293, 16806192, 28432734). This suggests that this is a clinically significant region of the protein, and that variants that disrupt it are likely to be disease-causing. For these reasons, this variant has been classified as Pathogenic.

Blueprint Genetics
Classification: Likely pathogenic for WFS1-related disorders. Last evaluated: 2023-08-31. Review status: criteria provided, single submitter. Criteria: ACMG Guidelines, 2015. Collection method: clinical testing. Allele origin: germline. Affected: yes. Observed: 1 variant allele.

Literature cited by the submitters: PubMed 10521293 (cited by Labcorp Genetics (formerly Invitae), Labcorp); PubMed 16806192 (cited by Labcorp Genetics (formerly Invitae), Labcorp); PubMed 28432734 (cited by Labcorp Genetics (formerly Invitae), Labcorp).

NM_006005.3(WFS1):c.2552_2553dup (p.Ala852fs)

Gene: WFS1 (wolframin ER transmembrane glycoprotein; plus strand). Cytogenetic location: 4p16.1.
Variant type: Duplication.
Coding change: c.2552_2553dup on transcript NM_006005.3 (MANE Select); coding-DNA positions 2552 to 2553, 2 bases duplicated (TG; older notation c.2552_2553dupTG).
Protein change: p.Ala852fs; shifts the reading frame from alanine 852.
Molecular consequence: frameshift variant.
Genome position (GRCh38, 1-based): chr4:6,302,347-6,302,348, TG duplicated. VCF-style (leftmost placement, unchanged base first): chr4-6302346-A-ATG. GRCh37 (hg19) VCF-style: chr4-6304073-A-ATG.
Other names: c.2552_2553dup, p.Ala852fs (NM_001145853.1); short protein forms A852fs.
Identifiers: ClinVar variation 2832631 (VCV002832631.4), dbSNP rs763294076, ClinGen allele CA2839774.